The following is an entry in ClinVar:

NM_001040142.2(SCN2A):c.4960A>G (p.Met1654Val)

Gene: SCN2A (sodium voltage-gated channel alpha subunit 2; plus strand). Cytogenetic location: 2q24.3.
Variant type: single nucleotide variant.
Coding change: c.4960A>G on transcript NM_001040142.2 (MANE Select); coding-DNA position 4960, A replaced by G.
Protein change: p.Met1654Val; replaces methionine 1654 with valine.
Molecular consequence: missense variant.
Genome position (GRCh38, 1-based): chr2:165,388,766, A>G. VCF-style: chr2-165388766-A-G. GRCh37 (hg19) VCF-style: chr2-166245276-A-G.
Other names: c.4960A>G, p.Met1654Val (NM_001040143.2, NM_001371246.1, NM_001371247.1 and 1 more transcripts); short protein forms M1654V.
Identifiers: ClinVar variation 2934179 (VCV002934179.3), dbSNP rs2468157789, ClinGen allele CA349037873.
Genomic context (GRCh38, chr2:165,388,766, plus strand): 5'-GGCCGAATCCTACGTCTGATCAAAGGAGCAAAGGGGATCCGCACGCTGCTCTTTGCTTTG[A>G]TGATGTCCCTTCCTGCGTTGTTTAACATCGGCCTCCTTCTTTTCCTGGTCATGTTCATCT-3'
Protein context (NP_001035232.1, residues 1644-1664): KGIRTLLFAL[Met1654Val]MSLPALFNIG

ClinVar aggregate classification (germline): Uncertain significance (1 of 4 stars; one submission).

Conditions:
Seizures, benign familial infantile, 3 (BFIS3). Also called: CONVULSIONS, BENIGN FAMILIAL INFANTILE, 3; Familial neonatal seizures. Identifiers: Orphanet 140927, Orphanet 306, MedGen C1843140, MONDO:0011904, OMIM 607745.
Developmental and epileptic encephalopathy, 11 (DEE11). Also called: Early infantile epileptic encephalopathy 11. Identifiers: Orphanet 1934, MedGen C3150987, MONDO:0013388, OMIM 613721.

Submission:

Labcorp Genetics (formerly Invitae), Labcorp
Classification: Uncertain significance for Seizures, benign familial infantile, 3; Developmental and epileptic encephalopathy, 11. Last evaluated: 2022-12-26. Review status: criteria provided, single submitter. Criteria: Invitae Variant Classification Sherloc (09022015). Collection method: clinical testing. Allele origin: germline.
Comment: This variant disrupts the p.Met1654 amino acid residue in SCN2A. Other variant(s) that disrupt this residue have been observed in individuals with SCN2A-related conditions (PMID: 33258288; Invitae), which suggests that this may be a clinically significant amino acid residue. Advanced modeling of protein sequence and biophysical properties (such as structural, functional, and spatial information, amino acid conservation, physicochemical variation, residue mobility, and thermodynamic stability) performed at Invitae indicates that this missense variant is expected to disrupt SCN2A protein function. This variant has not been reported in the literature in individuals affected with SCN2A-related conditions. This variant is not present in population databases (gnomAD no frequency). This sequence change replaces methionine, which is neutral and non-polar, with valine, which is neutral and non-polar, at codon 1654 of the SCN2A protein (p.Met1654Val). In summary, the available evidence is currently insufficient to determine the role of this variant in disease. Therefore, it has been classified as a Variant of Uncertain Significance.

Literature cited by the submitters: PubMed 33258288.